The following is an entry in ClinVar:

NM_033337.3(CAV3):c.270C>T (p.Phe90=)

Genes: CAV3 (caveolin 3; plus strand), OXTR (oxytocin receptor; minus strand). Cytogenetic location: 3p25.3.
Variant type: single nucleotide variant.
Coding change: c.270C>T on transcript NM_033337.3 (MANE Select); coding-DNA position 270, C replaced by T.
Protein change: p.Phe90=; no amino-acid change (phenylalanine 90 retained).
Molecular consequence: synonymous variant.
Genome position (GRCh38, 1-based): chr3:8,745,681, C>T. VCF-style: chr3-8745681-C-T. GRCh37 (hg19) VCF-style: chr3-8787367-C-T.
Other names: c.270C>T, p.Phe90= (NM_001234.5).
Identifiers: ClinVar variation 1695059 (VCV001695059.31), dbSNP rs750599338, ClinGen allele CA2236349.

ClinVar aggregate classification (germline): Likely benign (1 of 4 stars; one submission).

Allele frequency attached by ClinVar (database versions not stated): TOPMed below 0.00001; ExAC 0.00001; gnomAD exomes 0.00001 and 0.00002.

Submission:

CeGaT Center for Human Genetics Tuebingen
Classification: Likely benign. Last evaluated: 2022-04-01. Review status: criteria provided, single submitter. Criteria: CeGaT Center For Human Genetics Tuebingen Variant Classification Criteria Version 2. Collection method: clinical testing. Allele origin: germline. Affected: yes. Observed: 1 variant allele.
Comment: CAV3: BP4, BP7